The following is an entry in ClinVar:

ClinVar aggregate classification (germline): Conflicting classifications of pathogenicity. Review status: criteria provided, conflicting classifications (1 of 4 stars). 6 submissions from 6 submitters: Uncertain significance (5); Likely benign (1). Last evaluated 2025-08-26.

Conditions:
Hereditary cancer-predisposing syndrome. Also called: Tumor predisposition; Hereditary Cancer Syndrome; Hereditary neoplastic syndrome; Neoplastic Syndromes, Hereditary. Identifiers: Orphanet 140162, MedGen C0027672, MeSH D009386, MONDO:0015356.
Familial cancer of breast. Also called: BREAST CANCER, FAMILIAL; hereditary breast carcinoma; Hereditary breast cancer. Identifiers: Orphanet 227535, MedGen C0346153, MONDO:0016419, OMIM 114480. Disease mechanism: loss of function.
Fanconi anemia complementation group J. Also called: BRIP1-Related Fanconi Anemia. Identifiers: Orphanet 84, MedGen C1836860, MONDO:0012187, OMIM 609054.

gnomAD v4.1: 36 of 1,613,062 alleles (0.0022%); highest among the groups gnomAD compares: South Asian, 0.035%; no homozygotes.

Submissions (6):

Labcorp Genetics (formerly Invitae), Labcorp
Classification: Uncertain significance for Familial cancer of breast; Fanconi anemia complementation group J. Last evaluated: 2025-08-26. Review status: criteria provided, single submitter. Criteria: Invitae Variant Classification Sherloc (09022015). Collection method: clinical testing. Allele origin: germline.
Comment: This sequence change replaces isoleucine, which is neutral and non-polar, with leucine, which is neutral and non-polar, at codon 633 of the BRIP1 protein (p.Ile633Leu). This variant is present in population databases (rs765314472, gnomAD 0.03%). This variant has not been reported in the literature in individuals affected with BRIP1-related conditions. ClinVar contains an entry for this variant (Variation ID: 185386). Invitae Evidence Modeling of protein sequence and biophysical properties (such as structural, functional, and spatial information, amino acid conservation, physicochemical variation, residue mobility, and thermodynamic stability) indicates that this missense variant is not expected to disrupt BRIP1 protein function with a negative predictive value of 95%. In summary, the available evidence is currently insufficient to determine the role of this variant in disease. Therefore, it has been classified as a Variant of Uncertain Significance.

Center for Genomic Medicine, Rigshospitalet, Copenhagen University Hospital
Classification: Uncertain significance. Last evaluated: 2025-03-04. Review status: criteria provided, single submitter. Criteria: ACMG Guidelines, 2015. Collection method: clinical testing. Allele origin: germline.

Ambry Genetics
Classification: Likely benign for Hereditary cancer-predisposing syndrome. Last evaluated: 2024-09-02. Review status: criteria provided, single submitter. Criteria: Ambry Variant Classification Scheme 2023. Collection method: clinical testing. Allele origin: germline.

Color Diagnostics, LLC DBA Color Health
Classification: Uncertain significance for Hereditary cancer-predisposing syndrome. Last evaluated: 2023-08-21. Review status: criteria provided, single submitter. Criteria: ACMG Guidelines, 2015. Collection method: clinical testing. Allele origin: germline.
Comment: This missense variant replaces isoleucine with leucine at codon 633 of the BRIP1 protein. Computational prediction suggests that this variant may not impact protein structure and function (internally defined REVEL score threshold <= 0.5, PMID: 27666373). To our knowledge, functional studies have not been reported for this variant. This variant has been reported in three individuals affected with breast cancer (PMID: 33471991; Leiden Open Variation Database DB-ID BRIP1_000185). This variant has been identified in 9/251438 chromosomes in the general population by the Genome Aggregation Database (gnomAD). The available evidence is insufficient to determine the role of this variant in disease conclusively. Therefore, this variant is classified as a Variant of Uncertain Significance.

GeneDx
Classification: Uncertain significance. Last evaluated: 2023-07-10. Review status: criteria provided, single submitter. Criteria: GeneDx Variant Classification Process June 2021. Collection method: clinical testing. Allele origin: germline. Affected: yes.
Comment: In silico analysis supports that this missense variant does not alter protein structure/function; Has not been previously published as pathogenic or benign to our knowledge; This variant is associated with the following publications: (PMID: 24807215)

Foundation for Research in Genetics and Endocrinology, FRIGE's Institute of Human Genetics
Classification: Uncertain significance for Familial cancer of breast. Last evaluated: 2019-11-14. Review status: criteria provided, single submitter. Criteria: ACMG Guidelines, 2015. Collection method: clinical testing. Allele origin: de novo. Inheritance: Autosomal dominant inheritance. Affected: yes. Observed: 1 heterozygote.
Comment: A heterozygous missense variation in exon 13 of the BRIP1 gene that results in the amino acid substitution of Leucine for Isoleucine at codon 633 was detected. It is documented as variant of uncertain significance in Clinvar database. The observed variant c.1897A>C (p.Thr279Ile) has not been reported in the 1000 Genomes and has a minor alllele frequency of 0.004% in the ExAC database. The in silico prediction of the variant are damaging by SIFT, LRT and MutationTaster2. The reference codon is conserved across species. In summary, Thr279Ile variant meets our criteria to be classified as a variant of uncertain significance.

Literature cited by the submitters: PubMed 33471991 (cited by Color Diagnostics, LLC DBA Color Health).

NM_032043.3(BRIP1):c.1897A>C (p.Ile633Leu)

Gene: BRIP1 (BRCA1 interacting DNA helicase 1; minus strand). Cytogenetic location: 17q23.2.
Variant type: single nucleotide variant.
Coding change: c.1897A>C on transcript NM_032043.3 (MANE Select); coding-DNA position 1897, A replaced by C.
Protein change: p.Ile633Leu; replaces isoleucine 633 with leucine.
Molecular consequence: missense variant.
Genome position (GRCh38, 1-based): chr17:61,780,299, T>G on the plus strand (A>C on the coding strand, the complement: BRIP1 is on the minus strand). VCF-style: chr17-61780299-T-G. GRCh37 (hg19) VCF-style: chr17-59857660-T-G.
Other names: short protein forms I633L.
Identifiers: ClinVar variation 185386 (VCV000185386.27), dbSNP rs765314472, ClinGen allele CA191781.
Genomic context (GRCh38, chr17:61,780,299, plus strand): 5'-AAAAAAAAAAACAACAACTAACCTGTGAATTTTTAATGATATGATTAGCCTCCAGCTGGA[T>G]AGTAAATGTAACACCAAGTTCTGACGAAAAGGATTTCATTGGTGATAATGTACCAGATGT-3'
Protein context (NP_114432.2, residues 623-643): FSSELGVTFT[Ile633Leu]QLEANHIIKN